The following is an entry in ClinVar:

NM_001854.4(COL11A1):c.2417C>T (p.Pro806Leu)

Gene: COL11A1 (collagen type XI alpha 1 chain; minus strand). Cytogenetic location: 1p21.1.
Variant type: single nucleotide variant.
Coding change: c.2417C>T on transcript NM_001854.4 (MANE Select); coding-DNA position 2417, C replaced by T.
Protein change: p.Pro806Leu; replaces proline 806 with leucine.
Molecular consequence: missense variant. On other transcripts: non-coding transcript variant (1).
Genome position (GRCh38, 1-based): chr1:102,987,718, G>A on the plus strand (C>T on the coding strand, the complement: COL11A1 is on the minus strand). VCF-style: chr1-102987718-G-A. GRCh37 (hg19) VCF-style: chr1-103453274-G-A.
Other names: c.2300C>T, p.Pro767Leu (NM_001190709.2); c.2453C>T, p.Pro818Leu (NM_080629.3); c.2069C>T, p.Pro690Leu (NM_080630.4); short protein forms P690L, P767L, P806L, P818L.
Identifiers: ClinVar variation 3897344 (VCV003897344.1).
Genomic context (GRCh38, chr1:102,987,718, plus strand): 5'-CCTGGGTCTCCAGTTGGGCCTGCTCGACCTTTGGGTCCTTCAGGGCCATCTTCCCCTCTT[G>A]GGCCAATTTGACCAACTTCTCCCTGAGGCACAGAATAACAACATTCTTATGAGTGAAACG-3'
Protein context (NP_001845.3, residues 796-816): GDRGEVGQIG[Pro806Leu]RGEDGPEGPK

ClinVar aggregate classification (germline): Uncertain significance (1 of 4 stars; one submission).

gnomAD v4.1: 3 of 1,613,312 alleles (0.00019%); highest among the groups gnomAD compares: Non-Finnish European, 0.00025%; no homozygotes.

Submission:

GeneDx
Classification: Uncertain significance. Last evaluated: 2024-11-05. Review status: criteria provided, single submitter. Criteria: GeneDx Variant Classification Process June 2021. Collection method: clinical testing. Allele origin: germline. Affected: yes.
Comment: Not observed at significant frequency in large population cohorts (gnomAD); In silico analysis supports that this missense variant has a deleterious effect on protein structure/function; Has not been previously published as pathogenic or benign to our knowledge